The following is an entry in ClinVar:

ClinVar aggregate classification (germline): Uncertain significance. Review status: criteria provided, multiple submitters, no conflicts (2 of 4 stars). 3 submissions from 3 submitters: Uncertain significance (3). Last evaluated 2024-10-29.

Conditions:
Inborn genetic diseases. Identifiers: MedGen C0950123, MeSH D030342.
Hereditary sensory and autonomic neuropathy type 6. Also called: Neuropathy, hereditary sensory and autonomic, type VI; HSAN VI. Identifiers: Orphanet 314381, MedGen C3539003, MONDO:0013839, OMIM 614653.
Epidermolysis bullosa simplex 3, localized or generalized intermediate, with BP230 deficiency (EBS3). Also called: Epidermolysis bullosa simplex due to BP230 deficiency; Epidermolysis bullosa simplex, autosomal recessive 2. Identifiers: Orphanet 412181, MedGen C3809470, MONDO:0014180, OMIM 615425.

Allele frequency attached by ClinVar (database versions not stated): gnomAD 0.00009; TOPMed 0.00011; ExAC 0.00002; gnomAD exomes 0.00002.
gnomAD v4.1: 44 of 1,613,438 alleles (0.0027%); highest among the groups gnomAD compares: African/African-American, 0.024%; no homozygotes.

Submissions (3):

Labcorp Genetics (formerly Invitae), Labcorp
Classification: Uncertain significance for Epidermolysis bullosa simplex 3, localized or generalized intermediate, with BP230 deficiency; Hereditary sensory and autonomic neuropathy type 6. Last evaluated: 2024-10-29. Review status: criteria provided, single submitter. Criteria: Invitae Variant Classification Sherloc (09022015). Collection method: clinical testing. Allele origin: germline.
Comment: This sequence change replaces arginine, which is basic and polar, with tryptophan, which is neutral and slightly polar, at codon 370 of the DST protein (p.Arg370Trp). This variant is present in population databases (rs775464446, gnomAD 0.04%). This variant has not been reported in the literature in individuals affected with DST-related conditions. ClinVar contains an entry for this variant (Variation ID: 357611). An algorithm developed to predict the effect of missense changes on protein structure and function (PolyPhen-2) suggests that this variant is likely to be disruptive. In summary, the available evidence is currently insufficient to determine the role of this variant in disease. Therefore, it has been classified as a Variant of Uncertain Significance.

Ambry Genetics
Classification: Uncertain significance for Inborn genetic diseases. Last evaluated: 2020-12-08. Review status: criteria provided, single submitter. Criteria: Ambry Variant Classification Scheme 2023. Collection method: clinical testing. Allele origin: germline.
Comment: The p.R874W variant (also known as c.2620C>T), located in coding exon 20 of the DST gene, results from a C to T substitution at nucleotide position 2620. The arginine at codon 874 is replaced by tryptophan, an amino acid with dissimilar properties. This amino acid position is not well conserved in available vertebrate species. In addition, the in silico prediction for this alteration is inconclusive. Since supporting evidence is limited at this time, the clinical significance of this alteration remains unclear.

Blueprint Genetics
Classification: Uncertain significance. Last evaluated: 2019-05-02. Review status: criteria provided, single submitter. Criteria: ACMG Guidelines, 2015. Collection method: clinical testing. Allele origin: germline.

NM_001374736.1(DST):c.2719C>T (p.Arg907Trp)

Gene: DST (dystonin; minus strand). Cytogenetic location: 6p12.1.
Variant type: single nucleotide variant.
Coding change: c.2719C>T on transcript NM_001374736.1 (MANE Select); coding-DNA position 2719, C replaced by T.
Protein change: p.Arg907Trp; replaces arginine 907 with tryptophan.
Molecular consequence: missense variant.
Genome position (GRCh38, 1-based): chr6:56,639,590, G>A on the plus strand (C>T on the coding strand, the complement: DST is on the minus strand). VCF-style: chr6-56639590-G-A. GRCh37 (hg19) VCF-style: chr6-56504388-G-A.
Other names: c.2620C>T, p.Arg874Trp (NM_001144769.5); c.2206C>T, p.Arg736Trp (NM_001144770.2); c.2719C>T, p.Arg907Trp (NM_001374722.1); c.2086C>T, p.Arg696Trp (NM_001374729.1, NM_001374730.1, NM_001386100.1 and 1 more transcripts); c.2746C>T, p.Arg916Trp (NM_001374734.1); c.1108C>T, p.Arg370Trp (NM_001723.7, NM_015548.5); short protein forms R370W, R696W, R736W, R874W, R907W, R916W.
Identifiers: ClinVar variation 357611 (VCV000357611.16), dbSNP rs775464446, ClinGen allele CA3871336.